The following is an entry in ClinVar:

NM_002661.5(PLCG2):c.1500T>A (p.Asp500Glu)

Gene: PLCG2 (phospholipase C gamma 2; plus strand). Cytogenetic location: 16q23.3.
Variant type: single nucleotide variant.
Coding change: c.1500T>A on transcript NM_002661.5 (MANE Select); coding-DNA position 1500, T replaced by A.
Protein change: p.Asp500Glu; replaces aspartic acid 500 with glutamic acid.
Molecular consequence: missense variant.
Genome position (GRCh38, 1-based): chr16:81,907,717, T>A. VCF-style: chr16-81907717-T-A. GRCh37 (hg19) VCF-style: chr16-81941322-T-A.
Other names: c.1500T>A, p.Asp500Glu (NM_001425749.1, NM_001425750.1, NM_001425751.1); short protein forms D500E.
Identifiers: ClinVar variation 4726290 (VCV004726290.1).

ClinVar aggregate classification (germline): Uncertain significance (1 of 4 stars; one submission).

Conditions:
Familial cold autoinflammatory syndrome 3 (FCAS3). Also called: FAMILIAL ATYPICAL COLD URTICARIA; ANTIBODY DEFICIENCY AND IMMUNE DYSREGULATION, PLCG2-ASSOCIATED. Identifiers: Orphanet 300359, MedGen C3280914, MONDO:0013766, OMIM 614468.

Submission:

Labcorp Genetics (formerly Invitae), Labcorp
Classification: Uncertain significance for Familial cold autoinflammatory syndrome 3. Last evaluated: 2025-09-05. Review status: criteria provided, single submitter. Criteria: Invitae Variant Classification Sherloc (09022015). Collection method: clinical testing. Allele origin: germline.
Comment: This sequence change replaces aspartic acid, which is acidic and polar, with glutamic acid, which is acidic and polar, at codon 500 of the PLCG2 protein (p.Asp500Glu). This variant is not present in population databases (gnomAD no frequency). This variant has not been reported in the literature in individuals affected with PLCG2-related conditions. An algorithm developed to predict the effect of missense changes on protein structure and function (PolyPhen-2) suggests that this variant is likely to be tolerated. In summary, the available evidence is currently insufficient to determine the role of this variant in disease. Therefore, it has been classified as a Variant of Uncertain Significance.